The following is an entry in ClinVar:

ClinVar aggregate classification (germline): Uncertain significance (1 of 4 stars; one submission).

Conditions:
Spermatogenic failure 18. Identifiers: MedGen C4539783, MONDO:0054615, OMIM 617576.
Ciliary dyskinesia, primary, 37 (CILD37). Also called: CILIARY DYSKINESIA, PRIMARY, 37, WITH OR WITHOUT SITUS INVERSUS. Identifiers: MedGen C4539798, MONDO:0033204, OMIM 617577.

Allele frequency attached by ClinVar (database versions not stated): gnomAD exomes below 0.00001; gnomAD 0.00001.
gnomAD v4.1: 2 of 1,613,642 alleles (0.00012%); highest among the groups gnomAD compares: Non-Finnish European, 0.00017%; no homozygotes.

Submission:

Labcorp Genetics (formerly Invitae), Labcorp
Classification: Uncertain significance for Ciliary dyskinesia, primary, 37; Spermatogenic failure 18. Last evaluated: 2017-08-13. Review status: criteria provided, single submitter. Criteria: Invitae Variant Classification Sherloc (09022015). Collection method: clinical testing. Allele origin: germline.
Comment: In summary, the available evidence is currently insufficient to determine the role of this variant in disease. Therefore, it has been classified as a Variant of Uncertain Significance. Algorithms developed to predict the effect of missense changes on protein structure and function do not agree on the potential impact of this missense change (SIFT: "Deleterious"; PolyPhen-2: "Benign"; Align-GVGD: "Class C0"). This variant has not been reported in the literature in individuals with DNAH1-related disease. This variant is not present in population databases (ExAC no frequency). This sequence change replaces aspartic acid with asparagine at codon 252 of the DNAH1 protein (p.Asp252Asn). The aspartic acid residue is weakly conserved and there is a small physicochemical difference between aspartic acid and asparagine.

NM_015512.5(DNAH1):c.754G>A (p.Asp252Asn)

Gene: DNAH1 (dynein axonemal heavy chain 1; plus strand). Cytogenetic location: 3p21.1.
Variant type: single nucleotide variant.
Coding change: c.754G>A on transcript NM_015512.5 (MANE Select); coding-DNA position 754, G replaced by A.
Protein change: p.Asp252Asn; replaces aspartic acid 252 with asparagine.
Molecular consequence: missense variant.
Genome position (GRCh38, 1-based): chr3:52,327,897, G>A. VCF-style: chr3-52327897-G-A. GRCh37 (hg19) VCF-style: chr3-52361913-G-A.
Other names: short protein forms D252N.
Identifiers: ClinVar variation 544614 (VCV000544614.6), dbSNP rs1315748049, ClinGen allele CA353089598.